The following is an entry in ClinVar:

NM_018941.4(CLN8):c.392T>G (p.Phe131Cys)

Gene: CLN8 (CLN8 transmembrane ER and ERGIC protein; plus strand). Cytogenetic location: 8p23.3.
Variant type: single nucleotide variant.
Coding change: c.392T>G on transcript NM_018941.4 (MANE Select); coding-DNA position 392, T replaced by G.
Protein change: p.Phe131Cys; replaces phenylalanine 131 with cysteine.
Molecular consequence: missense variant.
Genome position (GRCh38, 1-based): chr8:1,771,446, T>G. VCF-style: chr8-1771446-T-G. GRCh37 (hg19) VCF-style: chr8-1719612-T-G.
Other names: p.Phe131Cys; short protein forms F131C.
Identifiers: ClinVar variation 1449462 (VCV001449462.8), dbSNP rs1404214432, ClinGen allele CA369953470.

ClinVar aggregate classification (germline): Uncertain significance. Review status: criteria provided, multiple submitters, no conflicts (2 of 4 stars). 3 submissions from 3 submitters: Uncertain significance (3). Last evaluated 2025-06-10.

Conditions:
Inborn genetic diseases. Identifiers: MedGen C0950123, MeSH D030342.
Neuronal ceroid lipofuscinosis. Also called: Neuronal Ceroid Lipofuscinoses. Identifiers: Orphanet 216, Orphanet 79263, MedGen C0027877, MONDO:0016295. Disease mechanism: loss of function.

Allele frequency attached by ClinVar (database versions not stated): gnomAD exomes below 0.00001; TOPMed below 0.00001.
gnomAD v4.1: 1 of 1,614,218 alleles (0.000062%); highest among the groups gnomAD compares: Admixed American, 0.0017%; no homozygotes.

Submissions (3):

Ambry Genetics
Classification: Uncertain significance for Inborn genetic diseases. Last evaluated: 2025-06-10. Review status: criteria provided, single submitter. Criteria: Ambry Variant Classification Scheme 2023. Collection method: clinical testing. Allele origin: germline.

Labcorp Genetics (formerly Invitae), Labcorp
Classification: Uncertain significance for Neuronal ceroid lipofuscinosis. Last evaluated: 2023-07-17. Review status: criteria provided, single submitter. Criteria: Invitae Variant Classification Sherloc (09022015). Collection method: clinical testing. Allele origin: germline.
Comment: This sequence change replaces phenylalanine, which is neutral and non-polar, with cysteine, which is neutral and slightly polar, at codon 131 of the CLN8 protein (p.Phe131Cys). This variant is present in population databases (no rsID available, gnomAD 0.003%). This variant has not been reported in the literature in individuals affected with CLN8-related conditions. ClinVar contains an entry for this variant (Variation ID: 1449462). Advanced modeling of protein sequence and biophysical properties (such as structural, functional, and spatial information, amino acid conservation, physicochemical variation, residue mobility, and thermodynamic stability) performed at Invitae indicates that this missense variant is not expected to disrupt CLN8 protein function. In summary, the available evidence is currently insufficient to determine the role of this variant in disease. Therefore, it has been classified as a Variant of Uncertain Significance.

Mayo Clinic Laboratories, Mayo Clinic
Classification: Uncertain significance. Last evaluated: 2021-06-30. Review status: criteria provided, single submitter. Criteria: ACMG Guidelines, 2015. Collection method: clinical testing. Allele origin: germline.